The following is an entry in ClinVar:

ClinVar aggregate classification (germline): Uncertain significance. Review status: criteria provided, multiple submitters, no conflicts (2 of 4 stars). 2 submissions from 2 submitters: Uncertain significance (2). Last evaluated 2025-01-17.

Allele frequency attached by ClinVar (database versions not stated): TOPMed 0.00001.

Submissions (2):

Labcorp Genetics (formerly Invitae), Labcorp
Classification: Uncertain significance. Last evaluated: 2025-01-17. Review status: criteria provided, single submitter. Criteria: Invitae Variant Classification Sherloc (09022015). Collection method: clinical testing. Allele origin: germline.
Comment: This sequence change replaces threonine, which is neutral and polar, with alanine, which is neutral and non-polar, at codon 256 of the PLEKHM2 protein (p.Thr256Ala). This variant is not present in population databases (gnomAD no frequency). This variant has not been reported in the literature in individuals affected with PLEKHM2-related conditions. ClinVar contains an entry for this variant (Variation ID: 2718574). An algorithm developed to predict the effect of missense changes on protein structure and function outputs the following: PolyPhen-2: "Benign". The alanine amino acid residue is found in multiple mammalian species, which suggests that this missense change does not adversely affect protein function. In summary, the available evidence is currently insufficient to determine the role of this variant in disease. Therefore, it has been classified as a Variant of Uncertain Significance.

Ambry Genetics
Classification: Uncertain significance. Last evaluated: 2024-11-20. Review status: criteria provided, single submitter. Criteria: Ambry Variant Classification Scheme 2023. Collection method: clinical testing. Allele origin: germline.

NM_015164.4(PLEKHM2):c.766A>G (p.Thr256Ala)

Gene: PLEKHM2 (pleckstrin homology and RUN domain containing M2; plus strand). Cytogenetic location: 1p36.21.
Variant type: single nucleotide variant.
Coding change: c.766A>G on transcript NM_015164.4 (MANE Select); coding-DNA position 766, A replaced by G.
Protein change: p.Thr256Ala; replaces threonine 256 with alanine.
Molecular consequence: missense variant.
Genome position (GRCh38, 1-based): chr1:15,725,370, A>G. VCF-style: chr1-15725370-A-G. GRCh37 (hg19) VCF-style: chr1-16051865-A-G.
Other names: c.706A>G, p.Thr236Ala (NM_001410755.1); c.766A>G (NM_015164.2); short protein forms T236A, T256A.
Identifiers: ClinVar variation 2718574 (VCV002718574.4), dbSNP rs2068049266, ClinGen allele CA338582789.